The following is an entry in ClinVar:

ClinVar aggregate classification (germline): Uncertain significance (1 of 4 stars; one submission).

Submission:

CeGaT Center for Human Genetics Tuebingen
Classification: Uncertain significance. Last evaluated: 2025-08-01. Review status: criteria provided, single submitter. Criteria: CeGaT Center For Human Genetics Tuebingen Variant Classification Criteria Version 2. Collection method: clinical testing. Allele origin: germline. Affected: yes. Observed: 2 variant alleles.
Comment: KMT2B: PM2, PS2:Moderate, PP3

NM_014727.3(KMT2B):c.7699C>T (p.Arg2567Cys)

Gene: KMT2B (lysine methyltransferase 2B; plus strand). Cytogenetic location: 19q13.12.
Variant type: single nucleotide variant.
Coding change: c.7699C>T on transcript NM_014727.3 (MANE Select); coding-DNA position 7699, C replaced by T.
Protein change: p.Arg2567Cys; replaces arginine 2567 with cysteine.
Molecular consequence: missense variant.
Genome position (GRCh38, 1-based): chr19:35,737,899, C>T. VCF-style: chr19-35737899-C-T. GRCh37 (hg19) VCF-style: chr19-36228800-C-T.
Other names: short protein forms R2567C.
Identifiers: ClinVar variation 1298762 (VCV001298762.35), dbSNP rs1393734909, ClinGen allele CA405438318.